The following is an entry in ClinVar:

NM_003482.4(KMT2D):c.4454del (p.Pro1485fs)

Gene: KMT2D (lysine methyltransferase 2D; minus strand). Cytogenetic location: 12q13.12.
Variant type: Deletion.
Coding change: c.4454del on transcript NM_003482.4 (MANE Select); coding-DNA position 4454, one base deleted (C; older notation c.4454delC).
Protein change: p.Pro1485fs; shifts the reading frame from proline 1485.
Molecular consequence: frameshift variant.
Genome position (GRCh38, 1-based): chr12:49,046,389, G deleted on the plus strand (C on the coding strand, the reverse complement: KMT2D is on the minus strand); the first of 4 consecutive G bases (chr12:49,046,389-49,046,392); deleting any one gives the same sequence. VCF-style (leftmost placement, unchanged base first): chr12-49046388-AG-A. GRCh37 (hg19) VCF-style: chr12-49440171-AG-A.
Other names: short protein forms P1485fs.
Identifiers: ClinVar variation 2137361 (VCV002137361.4), dbSNP rs2498428284, ClinGen allele CA2580086356.

ClinVar aggregate classification (germline): Pathogenic (1 of 4 stars; one submission).

Conditions:
Kabuki syndrome. Also called: NIIKAWA-KUROKI SYNDROME; Kabuki make-up syndrome. Identifiers: Orphanet 2322, MedGen C0796004, MONDO:0016512.

Submission:

Labcorp Genetics (formerly Invitae), Labcorp
Classification: Pathogenic for Kabuki syndrome. Last evaluated: 2022-08-08. Review status: criteria provided, single submitter. Criteria: Invitae Variant Classification Sherloc (09022015). Collection method: clinical testing. Allele origin: germline.
Comment: For these reasons, this variant has been classified as Pathogenic. This premature translational stop signal has been observed in individual(s) with Kabuki syndrome (PMID: 24633898). This variant is not present in population databases (gnomAD no frequency). This sequence change creates a premature translational stop signal (p.Pro1485Leufs*21) in the KMT2D gene. It is expected to result in an absent or disrupted protein product. Loss-of-function variants in KMT2D are known to be pathogenic (PMID: 22126750).

Literature cited by the submitters: PubMed 24633898; PubMed 22126750.